The following is an entry in ClinVar:

NM_018163.3(DNAJC17):c.911C>G (p.Thr304Arg)

Gene: DNAJC17 (DnaJ heat shock protein family (Hsp40) member C17; minus strand). Cytogenetic location: 15q15.1.
Variant type: single nucleotide variant.
Coding change: c.911C>G on transcript NM_018163.3 (MANE Select); coding-DNA position 911, C replaced by G.
Protein change: p.Thr304Arg; replaces threonine 304 with arginine.
Molecular consequence: missense variant.
Genome position (GRCh38, 1-based): chr15:40,767,944, G>C on the plus strand (C>G on the coding strand, the complement: DNAJC17 is on the minus strand). VCF-style: chr15-40767944-G-C. GRCh37 (hg19) VCF-style: chr15-41060142-G-C.
Other names: short protein forms T304R.
Identifiers: ClinVar variation 3677876 (VCV003677876.2).

ClinVar aggregate classification (germline): Uncertain significance (1 of 4 stars; one submission).

gnomAD v4.1: 3 of 1,612,724 alleles (0.00019%); highest among the groups gnomAD compares: African/African-American, 0.0013%; no homozygotes.

Submission:

Labcorp Genetics (formerly Invitae), Labcorp
Classification: Uncertain significance. Last evaluated: 2025-03-17. Review status: criteria provided, single submitter. Criteria: Invitae Variant Classification Sherloc (09022015). Collection method: clinical testing. Allele origin: germline.
Comment: This sequence change replaces threonine, which is neutral and polar, with arginine, which is basic and polar, at codon 304 of the DNAJC17 protein (p.Thr304Arg). This variant is not present in population databases (gnomAD no frequency). This variant has not been reported in the literature in individuals affected with DNAJC17-related conditions. An algorithm developed to predict the effect of missense changes on protein structure and function (PolyPhen-2) suggests that this variant is likely to be disruptive. Algorithms developed to predict the effect of sequence changes on RNA splicing suggest that this variant may create or strengthen a splice site. In summary, the available evidence is currently insufficient to determine the role of this variant in disease. Therefore, it has been classified as a Variant of Uncertain Significance.